The following is an entry in ClinVar:

ClinVar aggregate classification (germline): Conflicting classifications of pathogenicity. Review status: criteria provided, conflicting classifications (1 of 4 stars). 5 submissions from 5 submitters: Pathogenic (1); Likely pathogenic (3); Uncertain significance (1). Last evaluated 2025-04-02.

Conditions:
Inborn genetic diseases. Identifiers: MedGen C0950123, MeSH D030342.
PURA-related severe neonatal hypotonia-seizures-encephalopathy syndrome (NEDRIHF). Also called: PURA-Related Neurodevelopmental Disorders; NEURODEVELOPMENTAL DISORDER WITH NEONATAL RESPIRATORY INSUFFICIENCY, HYPOTONIA, AND FEEDING DIFFICULTIES. Identifiers: Orphanet 438213, Orphanet 438216, MedGen C4015357, MONDO:1060108, OMIM 616158, MONDO:0018580.

Submissions (5):

Dasa
Classification: Likely pathogenic. Last evaluated: 2025-04-02. Review status: criteria provided, single submitter. Criteria: DASA Assertion Criteria. Collection method: clinical testing. Allele origin: germline.
Comment: NM_005859.5(PURA):c.458G>C (p.Arg153Pro) is a missense variant that results in the substitution of arginine with proline. This variant has been reported in individuals with PURA-related disorders (PMID: 29150892). This variant has been reported as a de novo occurrence in an affected individual (PMID: 29150892). Also, this variant is absent from population databases. Computational evidence supports a deleterious effect. Based on the currently available evidence, this variant is classified as likely pathogenic.

MVZ Medizinische Genetik Mainz
Classification: Likely pathogenic for PURA-related severe neonatal hypotonia-seizures-encephalopathy syndrome. Last evaluated: 2023-11-15. Review status: criteria provided, single submitter. Criteria: UK Practice Guidelines For Variant Classification V4 01 2020. Collection method: clinical testing. Allele origin: germline. Inheritance: Autosomal dominant inheritance. Affected: yes. Observed: 1 variant allele.
Comment: ACMG Criteria: PS4_MOD,PM6,PM2_SUP,PP2,PP3,PP4

GeneDx
Classification: Pathogenic. Last evaluated: 2022-07-28. Review status: criteria provided, single submitter. Criteria: GeneDx Variant Classification Process June 2021. Collection method: clinical testing. Allele origin: germline. Affected: yes.
Comment: Not observed at significant frequency in large population cohorts (gnomAD); In silico analysis supports that this missense variant has a deleterious effect on protein structure/function; This variant is associated with the following publications: (PMID: 29150892, 33633953)

Labcorp Genetics (formerly Invitae), Labcorp
Classification: Uncertain significance for PURA-related severe neonatal hypotonia-seizures-encephalopathy syndrome. Last evaluated: 2022-02-02. Review status: criteria provided, single submitter. Criteria: Invitae Variant Classification Sherloc (09022015). Collection method: clinical testing. Allele origin: germline.
Comment: In summary, the available evidence is currently insufficient to determine the role of this variant in disease. Therefore, it has been classified as a Variant of Uncertain Significance. Algorithms developed to predict the effect of missense changes on protein structure and function are either unavailable or do not agree on the potential impact of this missense change (SIFT: "Deleterious"; PolyPhen-2: "Possibly Damaging"; Align-GVGD: "Class C0"). ClinVar contains an entry for this variant (Variation ID: 265539). This sequence change replaces arginine, which is basic and polar, with proline, which is neutral and non-polar, at codon 153 of the PURA protein (p.Arg153Pro). This variant is not present in population databases (gnomAD no frequency). This missense change has been observed in individual(s) with PURA-related conditions (PMID: 29150892).

Ambry Genetics
Classification: Likely pathogenic for Inborn genetic diseases. Last evaluated: 2018-05-01. Review status: criteria provided, single submitter. Criteria: Ambry Variant Classification Scheme 2023. Collection method: clinical testing. Allele origin: germline.
Comment: The p.R153P variant (also known as c.458G>C), located in coding exon 1 of the PURA gene, results from a G to C substitution at nucleotide position 458. The arginine at codon 153 is replaced by proline, an amino acid with dissimilar properties. This alteration was also detected in an individual with PURA syndrome, who had neonatal hypotonia, frequent falls, mild osteopenia, and abnormal brain MRI (Lee BH et al. Am. J. Med. Genet. A, 2018 Jan;176:56-67). This amino acid position is highly conserved in available vertebrate species. In addition, this alteration is predicted to be deleterious by in silico analysis. Based on the majority of available evidence to date, this variant is likely to be pathogenic.

Literature cited by the submitters: PubMed 29150892 (cited by 3 submitters).

NM_005859.5(PURA):c.458G>C (p.Arg153Pro)

Gene: PURA (purine rich element binding protein A; plus strand). Cytogenetic location: 5q31.3.
Variant type: single nucleotide variant.
Coding change: c.458G>C on transcript NM_005859.5 (MANE Select); coding-DNA position 458, G replaced by C.
Protein change: p.Arg153Pro; replaces arginine 153 with proline.
Molecular consequence: missense variant.
Genome position (GRCh38, 1-based): chr5:140,114,639, G>C. VCF-style: chr5-140114639-G-C. GRCh37 (hg19) VCF-style: chr5-139494224-G-C.
Other names: short protein forms R153P.
Identifiers: ClinVar variation 265539 (VCV000265539.15), dbSNP rs886039610, ClinGen allele CA10588393.